The following is an entry in ClinVar:

ClinVar aggregate classification (germline): Uncertain significance. Review status: criteria provided, multiple submitters, no conflicts (2 of 4 stars). 2 submissions from 2 submitters: Uncertain significance (2). Last evaluated 2026-02-01.

gnomAD v4.1: 142 of 1,613,918 alleles (0.0088%); highest among the groups gnomAD compares: Non-Finnish European, 0.011%; no homozygotes.

Submissions (2):

GeneDx
Classification: Uncertain significance. Last evaluated: 2026-02-01. Review status: criteria provided, single submitter. Criteria: GeneDx Variant Classification Process June 2021. Collection method: clinical testing. Allele origin: germline.
Comment: Identified in a family with Parkinson's disease; multiple other variants were observed (PMID: 33802862); Not observed at significant frequency in large population cohorts (gnomAD); In silico analysis supports that this missense variant has a deleterious effect on protein structure/function; This variant is associated with the following publications: (PMID: 33802862)

Mayo Clinic Laboratories, Mayo Clinic
Classification: Uncertain significance. Last evaluated: 2025-06-17. Review status: criteria provided, single submitter. Criteria: ACMG Guidelines, 2015. Collection method: clinical testing. Allele origin: germline. Observed: 1 variant allele.
Comment: BP4_moderate

NM_021800.3(DNAJC12):c.296C>T (p.Thr99Met)

Gene: DNAJC12 (DnaJ heat shock protein family (Hsp40) member C12; minus strand). Cytogenetic location: 10q21.3.
Variant type: single nucleotide variant.
Coding change: c.296C>T on transcript NM_021800.3 (MANE Select); coding-DNA position 296, C replaced by T.
Protein change: p.Thr99Met; replaces threonine 99 with methionine.
Molecular consequence: missense variant.
Genome position (GRCh38, 1-based): chr10:67,811,525, G>A on the plus strand (C>T on the coding strand, the complement: DNAJC12 is on the minus strand). VCF-style: chr10-67811525-G-A. GRCh37 (hg19) VCF-style: chr10-69571283-G-A.
Other names: p.Thr99Met; c.296C>T, p.Thr99Met (NM_201262.2); c.296C>T (NM_021800.2); short protein forms T99M.
Identifiers: ClinVar variation 4541540 (VCV004541540.2), dbSNP rs207471125.